The following is an entry in ClinVar:

ClinVar aggregate classification (germline): Likely pathogenic. Review status: reviewed by expert panel (3 of 4 stars). 8 submissions from 8 submitters: Likely pathogenic (1). 7 of the submissions do not count toward it. Last evaluated 2024-09-17.

Conditions:
Noonan syndrome 9 (NS9). Identifiers: Orphanet 648, MedGen C4225282, MONDO:0014691, OMIM 616559.
RASopathy. Also called: rasopathies; Noonan spectrum disorder. Identifiers: Orphanet 536391, MedGen C5555857, MONDO:0021060.

Submissions (8):

ClinGen RASopathy Variant Curation Expert Panel
Classification: Likely pathogenic for RASopathy. Last evaluated: 2024-09-17. Review status: reviewed by expert panel. Criteria: ClinGen RASopathy ACMG Specifications SOS2 V2.1.0. Collection method: curation. Allele origin: germline. Inheritance: Autosomal dominant inheritance.
Comment: The c.800T>A variant in SOS2 (NM_006939.4(SOS2):c.800T>A (p.Met267Lys)) is a missense variant predicted to cause substitution of methionine by lysine at amino acid 267. It has been identified in at least 3 probands with clinical features of a RASopathy (PS4_Moderate; SCV001426180.1, PMIDs: 25795793, 30707178). Two of these cases were reported as de novo occurrences, one with maternity and paternity confirmation and the other without (PS2, PM6; SCV001426180.1, PMID: 25795793). The computational predictor REVEL gives a score of 0.802, which is above the threshold of 0.7, evidence that correlates with impact to SOS2 function (PP3). In summary, this variant meets criteria to be classified as likely pathogenic for RASopathies in an autosomal dominant manner. RASopathy-specific ACMG/AMP criteria applied: PS2, PS4_Moderate, PM2_Supporting, PP3 (Version 2.1; 9/7/2024)

GeneDx
Classification: Pathogenic. Last evaluated: 2023-02-14. Review status: criteria provided, single submitter. Criteria: GeneDx Variant Classification Process June 2021. Collection method: clinical testing. Allele origin: germline. Affected: yes. Not counted in ClinVar's aggregate classification.
Comment: Not observed at significant frequency in large population cohorts (gnomAD); In silico analysis supports that this missense variant has a deleterious effect on protein structure/function; This variant is associated with the following publications: (PMID: 25795793, 27942422, 33750022, 30707178, 34006472, 35683512, 32788663, 26173643, 29696775)

Department of Human Genetics, University Hospital Magdeburg
Classification: Pathogenic for Noonan syndrome 9. Last evaluated: 2020-07-02. Review status: criteria provided, single submitter. Criteria: ClinGen's RASopathy Expert Panel Guidelines, 2018. Collection method: clinical testing. Allele origin: de novo. Inheritance: Autosomal dominant inheritance. Affected: yes. Observed: 4 variant alleles. Not counted in ClinVar's aggregate classification.
Comment: This variant is absent from gnomAD (PM2). Variants at the analogous position in SOS1 (c.806T>G and c.806T>C) have been classified as pathogenic (PM5_Strong). The variant is assumed to be de novo, but without confirmation of paternity and maternity (PM6). The REVEL Score of this variant is 0.802 (PP3) and the variant has been classified as pathogenic in ClinVar (PP5).

Genetics Laboratory, Instituto de Ciencias en Reproduccion Humana
Classification: Pathogenic for Noonan syndrome 9. Last evaluated: 2019-12-30. Review status: criteria provided, single submitter. Criteria: ACMG Guidelines, 2015. Collection method: research. Allele origin: unknown. Inheritance: Autosomal dominant inheritance. Affected: yes. Observed: 1 heterozygote. Not counted in ClinVar's aggregate classification.
Comment: This missense variant replaces methionine with lysine at codon 267 of the SOS2 protein (p.Met267Lys). ACMG interpretation was pathogenic and the criteria used were: PS1 based on other aminoacids change M267R and M267T reported as pathogenic/likely pathogenic according ACMG criteria in Clinvar. PM1 because p.M267K is located in DH domain that is a well-established functional domain with other pathogenic variants. PM2 based on variant is not on gnomAD v2.1.1 and v3 and TOPMed Freeze 5. PP3 supporting disease causing by DEOGEN2, FATHMM-MKL, M-CAP, MVP, MutationAssessor, MutationTaster, PrimateAI, REVEL and SIFT. PP4 because the phenotype is highly suggestive a single disease, in this case a Rasopathy.

Labcorp Genetics (formerly Invitae), Labcorp
Classification: Pathogenic for Noonan syndrome 9. Last evaluated: 2019-05-02. Review status: criteria provided, single submitter. Criteria: Invitae Variant Classification Sherloc (09022015). Collection method: clinical testing. Allele origin: germline. Not counted in ClinVar's aggregate classification.
Comment: This variant is not present in population databases (ExAC no frequency). For these reasons, this variant has been classified as Pathogenic. This variant disrupts the p.Met267 amino acid residue in SOS2. Other variant(s) that disrupt this residue have been determined to be pathogenic (PMID: 26173643). This suggests that this residue is clinically significant, and that variants that disrupt this residue are likely to be disease-causing. Algorithms developed to predict the effect of missense changes on protein structure and function are either unavailable or do not agree on the potential impact of this missense change (SIFT: "Tolerated"; PolyPhen-2: "Probably Damaging"; Align-GVGD: "Class C0"). This variant has been observed to be de novo in an individual affected with Noonan syndrome (PMID: 25795793). ClinVar contains an entry for this variant (Variation ID: 209092). This sequence change replaces methionine with lysine at codon 267 of the SOS2 protein (p.Met267Lys). The methionine residue is highly conserved and there is a moderate physicochemical difference between methionine and lysine.

Genome-Nilou Lab
Classification: Pathogenic for Noonan syndrome 9. Review status: criteria provided, single submitter. Criteria: ACMG Guidelines, 2015. Collection method: clinical testing. Allele origin: germline. Not counted in ClinVar's aggregate classification.

Beijing Key Laboratory for Genetic Research of Skeletal Deformity, Peking Union Medical College Hospital
Classification: Pathogenic for Noonan syndrome 9. Last evaluated: 2019-05-31. Review status: no assertion criteria provided. Collection method: research. Allele origin: de novo. Affected: yes. Not counted in ClinVar's aggregate classification.

OMIM
Classification: Pathogenic for NOONAN SYNDROME 9. Last evaluated: 2015-06-01. Review status: no assertion criteria provided. Collection method: literature only. Allele origin: germline. Not counted in ClinVar's aggregate classification.

Literature cited by the submitters: PubMed 25795793 (cited by 3 submitters); PubMed 26173643 (cited by Labcorp Genetics (formerly Invitae), Labcorp).

NM_006939.4(SOS2):c.800T>A (p.Met267Lys)

Gene: SOS2 (SOS Ras/Rho guanine nucleotide exchange factor 2; minus strand). Cytogenetic location: 14q21.3.
Variant type: single nucleotide variant.
Coding change: c.800T>A on transcript NM_006939.4 (MANE Select); coding-DNA position 800, T replaced by A.
Protein change: p.Met267Lys; replaces methionine 267 with lysine.
Molecular consequence: missense variant.
Genome position (GRCh38, 1-based): chr14:50,182,521, A>T on the plus strand (T>A on the coding strand, the complement: SOS2 is on the minus strand). VCF-style: chr14-50182521-A-T. GRCh37 (hg19) VCF-style: chr14-50649239-A-T.
Other names: NM_006939.4(SOS2):c.800T>A; short protein forms M267K.
Identifiers: ClinVar variation 209092 (VCV000209092.20), dbSNP rs797045167, ClinGen allele CA204984.